The following is an entry in ClinVar:

NM_018100.4(EFHC1):c.352C>T (p.Arg118Cys)

Gene: EFHC1 (EF-hand domain containing 1; plus strand). Cytogenetic location: 6p12.2.
Variant type: single nucleotide variant.
Coding change: c.352C>T on transcript NM_018100.4 (MANE Select); coding-DNA position 352, C replaced by T.
Protein change: p.Arg118Cys; replaces arginine 118 with cysteine.
Molecular consequence: missense variant. On other transcripts: non-coding transcript variant (1).
Genome position (GRCh38, 1-based): chr6:52,438,370, C>T. VCF-style: chr6-52438370-C-T. GRCh37 (hg19) VCF-style: chr6-52303168-C-T.
Other names: c.295C>T, p.Arg99Cys (NM_001172420.2); c.352C>T (NM_018100.3); short protein forms R118C, R99C.
Identifiers: ClinVar variation 1053974 (VCV001053974.12), dbSNP rs764096785, ClinGen allele CA3855732.
Genomic context (GRCh38, chr6:52,438,370, plus strand): 5'-AAATTTGATGCCTATTTCCAAGAAGATGTTCCTATGTCAACTGAGGAACAGTATAGGATC[C>T]GTCAGGTGAACATTTACTATTATCTAGAAGATGACAGCATGTCTGTCATAGAGCCTGTTG-3'
Protein context (NP_060570.2, residues 108-128): PMSTEEQYRI[Arg118Cys]QVNIYYYLED

ClinVar aggregate classification (germline): Uncertain significance. Review status: criteria provided, multiple submitters, no conflicts (2 of 4 stars). 2 submissions from 2 submitters: Uncertain significance (2). Last evaluated 2023-11-21.

Conditions:
Myoclonic epilepsy, juvenile, susceptibility to, 1. Also called: Myoclonic Epilepsy, Juvenile, 1; EJM1. Identifiers: MedGen C1850778, MONDO:0020752, OMIM 254770.
Absence seizure. Also called: Absence epilepsy. Identifiers: Orphanet 1941, MedGen C0014553.

Allele frequency attached by ClinVar (database versions not stated): gnomAD exomes 0.00001; ExAC 0.00002; gnomAD 0.00003.
gnomAD v4.1: 24 of 1,613,668 alleles (0.0015%); highest among the groups gnomAD compares: East Asian, 0.0067%; no homozygotes.

Submissions (2):

Revvity Omics, Revvity
Classification: Uncertain significance. Last evaluated: 2023-11-21. Review status: criteria provided, single submitter. Criteria: ACMG Guidelines, 2015. Collection method: clinical testing. Allele origin: germline.

Labcorp Genetics (formerly Invitae), Labcorp
Classification: Uncertain significance for Myoclonic epilepsy, juvenile, susceptibility to, 1; Absence seizure. Last evaluated: 2022-07-06. Review status: criteria provided, single submitter. Criteria: Invitae Variant Classification Sherloc (09022015). Collection method: clinical testing. Allele origin: germline.
Comment: In summary, the available evidence is currently insufficient to determine the role of this variant in disease. Therefore, it has been classified as a Variant of Uncertain Significance. Algorithms developed to predict the effect of missense changes on protein structure and function (SIFT, PolyPhen-2, Align-GVGD) all suggest that this variant is likely to be disruptive. ClinVar contains an entry for this variant (Variation ID: 1053974). This missense change has been observed in individual(s) with juvenile myoclonic epilepsy (PMID: 22727576). It has also been observed to segregate with disease in related individuals. This variant is present in population databases (rs764096785, gnomAD 0.01%). This sequence change replaces arginine, which is basic and polar, with cysteine, which is neutral and slightly polar, at codon 118 of the EFHC1 protein (p.Arg118Cys).

Literature cited by the submitters: PubMed 22727576 (cited by Labcorp Genetics (formerly Invitae), Labcorp).